The following is an entry in ClinVar:

ClinVar aggregate classification (germline): Uncertain significance (1 of 4 stars; one submission).

Allele frequency attached by ClinVar (database versions not stated): TOPMed below 0.00001; gnomAD 0.00001.

Submission:

Labcorp Genetics (formerly Invitae), Labcorp
Classification: Uncertain significance. Last evaluated: 2021-04-22. Review status: criteria provided, single submitter. Criteria: Invitae Variant Classification Sherloc (09022015). Collection method: clinical testing. Allele origin: germline.
Comment: This variant has not been reported in the literature in individuals with MATN3-related conditions. This variant is not present in population databases (ExAC no frequency). This sequence change replaces lysine with glutamic acid at codon 253 of the MATN3 protein (p.Lys253Glu). The lysine residue is highly conserved and there is a small physicochemical difference between lysine and glutamic acid. Algorithms developed to predict the effect of missense changes on protein structure and function (SIFT, PolyPhen-2, Align-GVGD) all suggest that this variant is likely to be disruptive, but these predictions have not been confirmed by published functional studies and their clinical significance is uncertain. In summary, the available evidence is currently insufficient to determine the role of this variant in disease. Therefore, it has been classified as a Variant of Uncertain Significance.

NM_002381.5(MATN3):c.757A>G (p.Lys253Glu)

Gene: MATN3 (matrilin 3; minus strand). Cytogenetic location: 2p24.1.
Variant type: single nucleotide variant.
Coding change: c.757A>G on transcript NM_002381.5 (MANE Select); coding-DNA position 757, A replaced by G.
Protein change: p.Lys253Glu; replaces lysine 253 with glutamic acid.
Molecular consequence: missense variant.
Genome position (GRCh38, 1-based): chr2:20,005,777, T>C on the plus strand (A>G on the coding strand, the complement: MATN3 is on the minus strand). VCF-style: chr2-20005777-T-C. GRCh37 (hg19) VCF-style: chr2-20205538-T-C.
Other names: short protein forms K253E.
Identifiers: ClinVar variation 1347350 (VCV001347350.8), dbSNP rs961591361, ClinGen allele CA43403539.